The following is an entry in ClinVar:

ClinVar aggregate classification (germline): Uncertain significance (1 of 4 stars; one submission).

Allele frequency attached by ClinVar (database versions not stated): gnomAD exomes below 0.00001; ExAC 0.00001; gnomAD 0.00001; TOPMed 0.00001.
gnomAD v4.1: 2 of 1,208,277 alleles (0.00017%); highest among the groups gnomAD compares: African/African-American, 0.0035%; no homozygotes.

Submission:

GeneDx
Classification: Uncertain significance. Last evaluated: 2025-06-06. Review status: criteria provided, single submitter. Criteria: GeneDx Variant Classification Process June 2021. Collection method: clinical testing. Allele origin: germline. Affected: yes.
Comment: In silico analysis supports that this missense variant has a deleterious effect on protein structure/function; Has not been previously published as pathogenic or benign to our knowledge

NM_001029896.2(WDR45):c.490C>T (p.His164Tyr)

Gene: WDR45 (WD repeat domain 45; minus strand). Cytogenetic location: Xp11.23.
Variant type: single nucleotide variant.
Coding change: c.490C>T on transcript NM_001029896.2 (MANE Select); coding-DNA position 490, C replaced by T.
Protein change: p.His164Tyr; replaces histidine 164 with tyrosine.
Molecular consequence: missense variant.
Genome position (GRCh38, 1-based): chrX:49,075,892, G>A on the plus strand (C>T on the coding strand, the complement: WDR45 is on the minus strand). VCF-style: chrX-49075892-G-A. GRCh37 (hg19) VCF-style: chrX-48933551-G-A.
Other names: c.493C>T, p.His165Tyr (NM_007075.4); short protein forms H164Y, H165Y.
Identifiers: ClinVar variation 2581971 (VCV002581971.2), dbSNP rs782328705, ClinGen allele CA10408508.